The following is an entry in ClinVar:

ClinVar aggregate classification (germline): Uncertain significance (1 of 4 stars; one submission).

Submission:

GeneDx
Classification: Uncertain significance. Last evaluated: 2024-02-29. Review status: criteria provided, single submitter. Criteria: GeneDx Variant Classification Process June 2021. Collection method: clinical testing. Allele origin: germline. Affected: yes.
Comment: Not observed at significant frequency in large population cohorts (gnomAD); In silico analysis supports that this missense variant does not alter protein structure/function; Has not been previously published as pathogenic or benign to our knowledge

NM_001009944.3(PKD1):c.291T>A (p.Asp97Glu)

Gene: PKD1 (polycystin 1, transient receptor potential channel interacting; minus strand). Cytogenetic location: 16p13.3.
Variant type: single nucleotide variant.
Coding change: c.291T>A on transcript NM_001009944.3 (MANE Select); coding-DNA position 291, T replaced by A.
Protein change: p.Asp97Glu; replaces aspartic acid 97 with glutamic acid.
Molecular consequence: missense variant.
Genome position (GRCh38, 1-based): chr16:2,119,182, A>T on the plus strand (T>A on the coding strand, the complement: PKD1 is on the minus strand). VCF-style: chr16-2119182-A-T. GRCh37 (hg19) VCF-style: chr16-2169183-A-T.
Other names: c.291T>A, p.Asp97Glu (NM_000296.4); short protein forms D97E.
Identifiers: ClinVar variation 3369697 (VCV003369697.1).